The following is an entry in ClinVar:

NM_003172.4(SURF1):c.350A>C (p.Tyr117Ser)

Gene: SURF1 (SURF1 cytochrome c oxidase assembly factor; minus strand). Cytogenetic location: 9q34.2.
Variant type: single nucleotide variant.
Coding change: c.350A>C on transcript NM_003172.4 (MANE Select); coding-DNA position 350, A replaced by C.
Protein change: p.Tyr117Ser; replaces tyrosine 117 with serine.
Molecular consequence: missense variant.
Genome position (GRCh38, 1-based): chr9:133,353,914, T>G on the plus strand (A>C on the coding strand, the complement: SURF1 is on the minus strand). VCF-style: chr9-133353914-T-G. GRCh37 (hg19) VCF-style: chr9-136220769-T-G.
Other names: p.Tyr117Ser; c.350A>C (NM_003172.2); c.23A>C, p.Tyr8Ser (NM_001280787.1); short protein forms Y117S, Y8S.
Identifiers: ClinVar variation 235744 (VCV000235744.50), dbSNP rs145615218, ClinGen allele CA10581416.

ClinVar aggregate classification (germline): Uncertain significance. Review status: criteria provided, multiple submitters, no conflicts (2 of 4 stars). 8 submissions from 8 submitters: Uncertain significance (6). 2 of the submissions do not count toward it. Last evaluated 2025-10-22.

Conditions:
Leigh syndrome (NULS). Also called: Leigh's necrotizing encephalopathy; Leigh's disease; Leigh's syndrome; Subacute necrotizing encephalopathy; Necrotizing encephalopathy infantile subacute of Leigh; LEIGH SYNDROME, NUCLEAR. Identifiers: Orphanet 506, MedGen C2931891, MONDO:0009723, OMIM 256000.

Allele frequency attached by ClinVar (database versions not stated): ExAC 0.00014; gnomAD exomes 0.00017 and 0.00029; TOPMed 0.00022; ESP Exome Variant Server 0.00023.
gnomAD v4.1: 450 of 1,613,782 alleles (0.028%); highest among the groups gnomAD compares: Non-Finnish European, 0.036%; no homozygotes.

Submissions (8):

Mayo Clinic Laboratories, Mayo Clinic
Classification: Uncertain significance. Last evaluated: 2025-10-22. Review status: criteria provided, single submitter. Criteria: ACMG Guidelines, 2015. Collection method: clinical testing. Allele origin: germline. Observed: 3 variant alleles.
Comment: PP3_strong, PM2_supporting

GeneDx
Classification: Uncertain significance. Last evaluated: 2025-10-07. Review status: criteria provided, single submitter. Criteria: GeneDx Variant Classification Process June 2021. Collection method: clinical testing. Allele origin: germline.
Comment: Has not been previously published as pathogenic or benign to our knowledge; In silico analysis supports that this missense variant has a deleterious effect on protein structure/function

Blueprint Genetics
Classification: Uncertain significance. Last evaluated: 2024-11-22. Review status: criteria provided, single submitter. Criteria: ACMG Guidelines, 2015. Collection method: clinical testing. Allele origin: germline.

Labcorp Genetics (formerly Invitae), Labcorp
Classification: Uncertain significance for Leigh syndrome. Last evaluated: 2022-10-05. Review status: criteria provided, single submitter. Criteria: Invitae Variant Classification Sherloc (09022015). Collection method: clinical testing. Allele origin: germline.
Comment: This sequence change replaces tyrosine, which is neutral and polar, with serine, which is neutral and polar, at codon 117 of the SURF1 protein (p.Tyr117Ser). This variant is present in population databases (rs145615218, gnomAD 0.03%). This variant has not been reported in the literature in individuals affected with SURF1-related conditions. ClinVar contains an entry for this variant (Variation ID: 235744). Advanced modeling of protein sequence and biophysical properties (such as structural, functional, and spatial information, amino acid conservation, physicochemical variation, residue mobility, and thermodynamic stability) performed at Invitae indicates that this missense variant is expected to disrupt SURF1 protein function. In summary, the available evidence is currently insufficient to determine the role of this variant in disease. Therefore, it has been classified as a Variant of Uncertain Significance.

CeGaT Center for Human Genetics Tuebingen
Classification: Uncertain significance. Last evaluated: 2020-08-01. Review status: criteria provided, single submitter. Criteria: CeGaT Center For Human Genetics Tuebingen Variant Classification Criteria Version 2. Collection method: clinical testing. Allele origin: germline. Affected: yes. Observed: 1 variant allele.

Center for Pediatric Genomic Medicine, Children's Mercy Hospital and Clinics
Classification: Uncertain significance. Last evaluated: 2016-01-11. Review status: criteria provided, single submitter. Criteria: ACMG Guidelines, 2015. Collection method: clinical testing. Allele origin: germline.
ClinVar note: Converted during submission from Uncertain Significance to Uncertain significance.

Diagnostic Laboratory, Department of Genetics, University Medical Center Groningen
Classification: Uncertain significance. Review status: no assertion criteria provided. Collection method: clinical testing. Allele origin: germline. Affected: yes. Study: VKGL Data-share Consensus. Not counted in ClinVar's aggregate classification.

Laboratory of Diagnostic Genome Analysis, Leiden University Medical Center (LUMC)
Classification: Uncertain significance. Review status: no assertion criteria provided. Collection method: clinical testing. Allele origin: germline. Affected: yes. Study: VKGL Data-share Consensus. Not counted in ClinVar's aggregate classification.